The following is an entry in ClinVar:

NM_006648.4(WNK2):c.4558G>A (p.Gly1520Arg)

Gene: WNK2 (WNK lysine deficient protein kinase 2; plus strand). Cytogenetic location: 9q22.31.
Variant type: single nucleotide variant.
Coding change: c.4558G>A on transcript NM_006648.4 (MANE Select); coding-DNA position 4558, G replaced by A.
Protein change: p.Gly1520Arg; replaces glycine 1520 with arginine.
Molecular consequence: missense variant.
Genome position (GRCh38, 1-based): chr9:93,289,312, G>A. VCF-style: chr9-93289312-G-A. GRCh37 (hg19) VCF-style: chr9-96051594-G-A.
Other names: c.4669G>A, p.Gly1557Arg (NM_001282394.3); short protein forms G1520R, G1557R.
Identifiers: ClinVar variation 4866608 (VCV004866608.1).

ClinVar aggregate classification (germline): Uncertain significance (1 of 4 stars; one submission).

Submission:

Ambry Genetics
Classification: Uncertain significance. Last evaluated: 2026-04-20. Review status: criteria provided, single submitter. Criteria: Ambry Variant Classification Scheme 2023. Collection method: clinical testing. Allele origin: germline.
Comment: The p.G1520R variant (also known as c.4558G>A), located in coding exon 19 of the WNK2 gene, results from a G to A substitution at nucleotide position 4558. The glycine at codon 1520 is replaced by arginine, an amino acid with dissimilar properties. This amino acid position is conserved. In addition, this alteration is predicted to be tolerated by in silico analysis. Based on the available evidence, the clinical significance of this variant remains unclear.